The following is an entry in ClinVar:

ClinVar aggregate classification (germline): Likely benign (0 of 4 stars; one submission).

Conditions:
CLRN2-related disorder. Also called: CLRN2-related condition.

Allele frequency attached by ClinVar (database versions not stated): 1000 Genomes Project 0.00060; ESP Exome Variant Server 0.00062; ExAC 0.00072; 1000 Genomes Project 30x 0.00078.

Submission:

PreventionGenetics, part of Exact Sciences
Classification: Likely benign for CLRN2-related condition. Last evaluated: 2023-11-28. Review status: no assertion criteria provided. Collection method: clinical testing. Allele origin: germline.
Comment: This variant is classified as likely benign based on ACMG/AMP sequence variant interpretation guidelines (Richards et al. 2015 PMID: 25741868, with internal and published modifications).

NM_001079827.2(CLRN2):c.596A>T (p.His199Leu)

Gene: CLRN2 (clarin 2; plus strand). Cytogenetic location: 4p15.32.
Variant type: single nucleotide variant.
Coding change: c.596A>T on transcript NM_001079827.2 (MANE Select); coding-DNA position 596, A replaced by T.
Protein change: p.His199Leu; replaces histidine 199 with leucine.
Molecular consequence: missense variant.
Genome position (GRCh38, 1-based): chr4:17,526,979, A>T. VCF-style: chr4-17526979-A-T. GRCh37 (hg19) VCF-style: chr4-17528602-A-T.
Other names: short protein forms H199L.
Identifiers: ClinVar variation 3048511 (VCV003048511.2), dbSNP rs201124485, ClinGen allele CA2868488.